The following is an entry in ClinVar:

NM_001987.5(ETV6):c.598C>T (p.Pro200Ser)

Gene: ETV6 (ETS variant transcription factor 6; plus strand). Cytogenetic location: 12p13.2.
Variant type: single nucleotide variant.
Coding change: c.598C>T on transcript NM_001987.5 (MANE Select); coding-DNA position 598, C replaced by T.
Protein change: p.Pro200Ser; replaces proline 200 with serine.
Molecular consequence: missense variant.
Genome position (GRCh38, 1-based): chr12:11,869,558, C>T. VCF-style: chr12-11869558-C-T. GRCh37 (hg19) VCF-style: chr12-12022492-C-T.
Other names: c.595C>T, p.Pro199Ser (NM_001413913.1); c.571C>T, p.Pro191Ser (NM_001413914.1); c.334C>T, p.Pro112Ser (NM_001413915.1); c.598C>T, p.Pro200Ser (NM_001413916.1, NM_001413917.1); short protein forms P191S, P199S, P112S, P200S.
Identifiers: ClinVar variation 4826541 (VCV004826541.1).

ClinVar aggregate classification (germline): Uncertain significance (1 of 4 stars; one submission).

Conditions:
Inborn genetic diseases. Identifiers: MedGen C0950123, MeSH D030342.

Submission:

Ambry Genetics
Classification: Uncertain significance for Inborn genetic diseases. Last evaluated: 2026-02-24. Review status: criteria provided, single submitter. Criteria: Ambry Variant Classification Scheme 2023. Collection method: clinical testing. Allele origin: germline.
Comment: The p.P200S variant (also known as c.598C>T), located in coding exon 5 of the ETV6 gene, results from a C to T substitution at nucleotide position 598. The proline at codon 200 is replaced by serine, an amino acid with similar properties. This amino acid position is conserved. In addition, this alteration is predicted to be tolerated by in silico analysis. Based on the available evidence, the clinical significance of this variant remains unclear.